The following is an entry in ClinVar:

NM_002485.5(NBN):c.1397+3C>G

Gene: NBN (nibrin; minus strand). Cytogenetic location: 8q21.3.
Variant type: single nucleotide variant.
Coding change: c.1397+3C>G on transcript NM_002485.5 (MANE Select); 3 bases into the intron after coding-DNA position 1397, C replaced by G.
Molecular consequence: intron variant.
Genome position (GRCh38, 1-based): chr8:89,955,280, G>C on the plus strand (C>G on the coding strand, the complement: NBN is on the minus strand). VCF-style: chr8-89955280-G-C. GRCh37 (hg19) VCF-style: chr8-90967508-G-C.
Other names: c.1151+3C>G (NM_001024688.3).
Identifiers: ClinVar variation 233548 (VCV000233548.22), dbSNP rs876660481, ClinGen allele CA10578766.

ClinVar aggregate classification (germline): Conflicting classifications of pathogenicity. Review status: criteria provided, conflicting classifications (1 of 4 stars). 6 submissions from 6 submitters: Uncertain significance (2); Likely benign (3). 1 of the submissions does not count toward it. Last evaluated 2024-01-02.

Conditions:
Hereditary cancer-predisposing syndrome. Also called: Neoplastic Syndromes, Hereditary; Hereditary Cancer Syndrome; Tumor predisposition; Hereditary neoplastic syndrome. Identifiers: Orphanet 140162, MedGen C0027672, MeSH D009386, MONDO:0015356.
Microcephaly, normal intelligence and immunodeficiency (NBS). Also called: IMMUNODEFICIENCY, MICROCEPHALY, AND CHROMOSOMAL INSTABILITY; SEEMANOVA SYNDROME II; Immunodeficiency, microcephaly with normal intelligence; BERLIN BREAKAGE SYNDROME; Nijmegen breakage syndrome; Microcephaly with normal intelligence immunodeficiency and lymphoreticular malignancies. Identifiers: Orphanet 647, MedGen C0398791, MONDO:0009623, OMIM 251260.

Allele frequency attached by ClinVar (database versions not stated): gnomAD 0.00001; gnomAD exomes 0.00001; TOPMed 0.00002.
gnomAD v4.1: 7 of 1,612,988 alleles (0.00043%); no homozygotes.

Submissions (6):

Ambry Genetics
Classification: Uncertain significance for Hereditary cancer-predisposing syndrome. Last evaluated: 2024-01-02. Review status: criteria provided, single submitter. Criteria: Ambry Variant Classification Scheme 2023. Collection method: clinical testing. Allele origin: germline.
Comment: The c.1397+3C>G intronic variant results from a C to G substitution 3 nucleotides after coding exon 10 in the NBN gene. This nucleotide position is poorly conserved in available vertebrate species. In silico splice site analysis predicts that this alteration will not have any significant effect on splicing. Since supporting evidence is limited at this time, the clinical significance of this alteration remains unclear.

Labcorp Genetics (formerly Invitae), Labcorp
Classification: Likely benign for Microcephaly, normal intelligence and immunodeficiency. Last evaluated: 2023-11-19. Review status: criteria provided, single submitter. Criteria: Invitae Variant Classification Sherloc (09022015). Collection method: clinical testing. Allele origin: germline.

Institute for Biomarker Research, Medical Diagnostic Laboratories, L.L.C.
Classification: Likely benign for Hereditary cancer-predisposing syndrome. Last evaluated: 2023-10-31. Review status: criteria provided, single submitter. Criteria: ACMG Guidelines, 2015. Collection method: clinical testing. Allele origin: germline.

Blueprint Genetics
Classification: Likely benign. Last evaluated: 2023-09-21. Review status: criteria provided, single submitter. Criteria: ACMG Guidelines, 2015. Collection method: clinical testing. Allele origin: germline.

Genome-Nilou Lab
Classification: Uncertain significance for Microcephaly, normal intelligence and immunodeficiency. Last evaluated: 2021-11-07. Review status: criteria provided, single submitter. Criteria: ACMG Guidelines, 2015. Collection method: clinical testing. Allele origin: germline. Affected: no.

Natera, Inc.
Classification: Uncertain significance for Nijmegen breakage syndrome. Last evaluated: 2020-03-10. Review status: no assertion criteria provided. Collection method: clinical testing. Allele origin: germline. Not counted in ClinVar's aggregate classification.